The following is an entry in ClinVar:

NM_005227.3(EFNA4):c.196C>T (p.Pro66Ser)

Genes: ADAM15-EFNA4 (ADAM15-EFNA4 readthrough; plus strand), EFNA4 (ephrin A4; plus strand), EFNA4-EFNA3 (EFNA4-EFNA3 readthrough; plus strand). Cytogenetic location: 1q21.3.
Variant type: single nucleotide variant.
Coding change: c.196C>T on transcript NM_005227.3 (MANE Select); coding-DNA position 196, C replaced by T.
Protein change: p.Pro66Ser; replaces proline 66 with serine.
Molecular consequence: missense variant. On other transcripts: non-coding transcript variant (1), 5 prime UTR variant (1), intron variant (1).
Genome position (GRCh38, 1-based): chr1:155,066,812, C>T. VCF-style: chr1-155066812-C-T. GRCh37 (hg19) VCF-style: chr1-155039288-C-T.
Other names: c.-33C>T (NM_001406810.1); c.196C>T, p.Pro66Ser (NM_182689.2, NM_182690.3); c.113+2876C>T (NM_001407761.1); short protein forms P66S.
Identifiers: ClinVar variation 4751315 (VCV004751315.1).

ClinVar aggregate classification (germline): Uncertain significance (1 of 4 stars; one submission).

gnomAD v4.1: 367 of 1,613,778 alleles (0.023%); highest among the groups gnomAD compares: South Asian, 0.14%; no homozygotes.

Submission:

Labcorp Genetics (formerly Invitae), Labcorp
Classification: Uncertain significance. Last evaluated: 2025-11-16. Review status: criteria provided, single submitter. Criteria: Invitae Variant Classification Sherloc (09022015). Collection method: clinical testing. Allele origin: germline.
Comment: This sequence change replaces proline, which is neutral and non-polar, with serine, which is neutral and polar, at codon 66 of the EFNA4 protein (p.Pro66Ser). This variant is present in population databases (rs199831867, gnomAD 0.1%), and has an allele count higher than expected for a pathogenic variant. This variant has not been reported in the literature in individuals affected with EFNA4-related conditions. An algorithm developed to predict the effect of missense changes on protein structure and function (PolyPhen-2) suggests that this variant is likely to be disruptive. In summary, the available evidence is currently insufficient to determine the role of this variant in disease. Therefore, it has been classified as a Variant of Uncertain Significance.